The following is an entry in ClinVar:

NM_014956.5(CEP164):c.390G>A (p.Ser130=)

Gene: CEP164 (centrosomal protein 164; plus strand). Cytogenetic location: 11q23.3.
Variant type: single nucleotide variant.
Coding change: c.390G>A on transcript NM_014956.5 (MANE Select); coding-DNA position 390, G replaced by A.
Protein change: p.Ser130=; no amino-acid change (serine 130 retained).
Molecular consequence: synonymous variant.
Genome position (GRCh38, 1-based): chr11:117,351,985, G>A. VCF-style: chr11-117351985-G-A. GRCh37 (hg19) VCF-style: chr11-117222701-G-A.
Other names: c.390G>A, p.Ser130= (NM_001271933.2).
Identifiers: ClinVar variation 743897 (VCV000743897.11), dbSNP rs773045906, ClinGen allele CA6294420.

ClinVar aggregate classification (germline): Likely benign. Review status: criteria provided, multiple submitters, no conflicts (2 of 4 stars). 4 submissions from 4 submitters: Likely benign (3). 1 of the submissions does not count toward it. Last evaluated 2026-01-05.

Conditions:
CEP164-related disorder. Also called: CEP164-related condition.
Nephronophthisis 15 (NPHP15). Identifiers: Orphanet 3156, MedGen C3541853, MONDO:0013917, OMIM 614845.

Allele frequency attached by ClinVar (database versions not stated): gnomAD 0.00003.
gnomAD v4.1: 19 of 1,569,412 alleles (0.0012%); highest among the groups gnomAD compares: Admixed American, 0.021%; no homozygotes.

Submissions (4):

Labcorp Genetics (formerly Invitae), Labcorp
Classification: Likely benign for Nephronophthisis 15. Last evaluated: 2026-01-05. Review status: criteria provided, single submitter. Criteria: Invitae Variant Classification Sherloc (09022015). Collection method: clinical testing. Allele origin: germline.

Fulgent Genetics
Classification: Likely benign for Nephronophthisis 15. Last evaluated: 2021-08-19. Review status: criteria provided, single submitter. Criteria: ACMG Guidelines, 2015. Collection method: clinical testing. Allele origin: unknown.

Blueprint Genetics
Classification: Likely benign. Last evaluated: 2020-03-04. Review status: criteria provided, single submitter. Criteria: ACMG Guidelines, 2015. Collection method: clinical testing. Allele origin: germline.

PreventionGenetics, part of Exact Sciences
Classification: Likely benign for CEP164-related condition. Last evaluated: 2024-07-25. Review status: no assertion criteria provided. Collection method: clinical testing. Allele origin: germline. Not counted in ClinVar's aggregate classification.
Comment: This variant is classified as likely benign based on ACMG/AMP sequence variant interpretation guidelines (Richards et al. 2015 PMID: 25741868, with internal and published modifications).